The following is an entry in ClinVar:

NM_005356.5(LCK):c.1514A>G (p.Tyr505Cys)

Gene: LCK (LCK proto-oncogene, Src family tyrosine kinase; plus strand). Cytogenetic location: 1p35.2.
Variant type: single nucleotide variant.
Coding change: c.1514A>G on transcript NM_005356.5 (MANE Select); coding-DNA position 1514, A replaced by G.
Protein change: p.Tyr505Cys; replaces tyrosine 505 with cysteine.
Molecular consequence: missense variant.
Genome position (GRCh38, 1-based): chr1:32,285,700, A>G. VCF-style: chr1-32285700-A-G. GRCh37 (hg19) VCF-style: chr1-32751301-A-G.
Other names: c.1514A>G, p.Tyr505Cys (NM_001042771.3); c.1361A>G, p.Tyr454Cys (NM_001330468.2); short protein forms Y454C, Y505C.
Identifiers: ClinVar variation 1033244 (VCV001033244.1), dbSNP rs1569984631, ClinGen allele CA339644321.

ClinVar aggregate classification (germline): Uncertain significance (1 of 4 stars; one submission).

Conditions:
Severe combined immunodeficiency due to LCK deficiency. Also called: Immunodeficiency 22. Identifiers: Orphanet 280142, MedGen C4014233, MONDO:0014334, OMIM 615758.

Submission:

Baylor Genetics
Classification: Uncertain significance for Severe combined immunodeficiency due to LCK deficiency. Last evaluated: 2018-11-06. Review status: criteria provided, single submitter. Criteria: ACMG Guidelines, 2015. Collection method: clinical testing. Allele origin: maternal. Affected: yes.
Comment: This variant was determined to be of uncertain significance according to ACMG Guidelines, 2015 [PMID:25741868].